The following is an entry in ClinVar:

NM_001211.6(BUB1B):c.2214T>G (p.Ser738Arg)

Gene: BUB1B (BUB1 mitotic checkpoint serine/threonine kinase B; plus strand). Cytogenetic location: 15q15.1.
Variant type: single nucleotide variant.
Coding change: c.2214T>G on transcript NM_001211.6 (MANE Select); coding-DNA position 2214, T replaced by G.
Protein change: p.Ser738Arg; replaces serine 738 with arginine.
Molecular consequence: missense variant.
Genome position (GRCh38, 1-based): chr15:40,209,705, T>G. VCF-style: chr15-40209705-T-G. GRCh37 (hg19) VCF-style: chr15-40501906-T-G.
Other names: short protein forms S738R.
Identifiers: ClinVar variation 1787818 (VCV001787818.2), dbSNP rs2542571783, ClinGen allele CA391694400.

ClinVar aggregate classification (germline): Uncertain significance (1 of 4 stars; one submission).

Conditions:
Inborn genetic diseases. Identifiers: MedGen C0950123, MeSH D030342.

Submission:

Ambry Genetics
Classification: Uncertain significance for Inborn genetic diseases. Last evaluated: 2023-10-21. Review status: criteria provided, single submitter. Criteria: Ambry Variant Classification Scheme 2023. Collection method: clinical testing. Allele origin: germline.
Comment: The p.S738R variant (also known as c.2214T>G), located in coding exon 17 of the BUB1B gene, results from a T to G substitution at nucleotide position 2214. The serine at codon 738 is replaced by arginine, an amino acid with dissimilar properties. This amino acid position is conserved. In addition, this alteration is predicted to be tolerated by in silico analysis. Since supporting evidence is limited at this time, the clinical significance of this alteration remains unclear.